The following is an entry in ClinVar:

NM_015335.5(MED13L):c.2211G>A (p.Thr737=)

Gene: MED13L (mediator complex subunit 13L; minus strand). Cytogenetic location: 12q24.21.
Variant type: single nucleotide variant.
Coding change: c.2211G>A on transcript NM_015335.5 (MANE Select); coding-DNA position 2211, G replaced by A.
Protein change: p.Thr737=; no amino-acid change (threonine 737 retained).
Molecular consequence: synonymous variant.
Genome position (GRCh38, 1-based): chr12:116,007,438, C>T on the plus strand (G>A on the coding strand, the complement: MED13L is on the minus strand). VCF-style: chr12-116007438-C-T. GRCh37 (hg19) VCF-style: chr12-116445243-C-T.
Identifiers: ClinVar variation 1595088 (VCV001595088.33), dbSNP rs747879843, ClinGen allele CA6811230.

ClinVar aggregate classification (germline): Likely benign. Review status: criteria provided, multiple submitters, no conflicts (2 of 4 stars). 3 submissions from 3 submitters: Likely benign (3). Last evaluated 2026-02-24.

Conditions:
Dextro-looped transposition of the great arteries. Also called: Dextrotransposition of the great arteries. Identifiers: Orphanet 860, MedGen C3531771, MONDO:0019443, OMIM 608808, HP:0031348.

Allele frequency attached by ClinVar (database versions not stated): gnomAD 0.00001; TOPMed 0.00002; ExAC 0.00003; gnomAD exomes 0.00003 and 0.00004.
gnomAD v4.1: 50 of 1,613,260 alleles (0.0031%); highest among the groups gnomAD compares: Non-Finnish European, 0.004%; no homozygotes.

Submissions (3):

Women's Health and Genetics/Laboratory Corporation of America, LabCorp
Classification: Likely benign. Last evaluated: 2026-02-24. Review status: criteria provided, single submitter. Criteria: LabCorp Variant Classification Summary - May 2015. Collection method: clinical testing. Allele origin: germline.

CeGaT Center for Human Genetics Tuebingen
Classification: Likely benign. Last evaluated: 2023-06-01. Review status: criteria provided, single submitter. Criteria: CeGaT Center For Human Genetics Tuebingen Variant Classification Criteria Version 2. Collection method: clinical testing. Allele origin: germline. Affected: yes. Observed: 1 variant allele.
Comment: MED13L: BP4, BP7

Labcorp Genetics (formerly Invitae), Labcorp
Classification: Likely benign for Dextro-looped transposition of the great arteries. Last evaluated: 2020-12-08. Review status: criteria provided, single submitter. Criteria: Invitae Variant Classification Sherloc (09022015). Collection method: clinical testing. Allele origin: germline.